The following is an entry in ClinVar:

NM_000298.6(PKLR):c.1482T>C (p.Ile494=)

Gene: PKLR (pyruvate kinase L/R; minus strand). Cytogenetic location: 1q22.
Variant type: single nucleotide variant.
Coding change: c.1482T>C on transcript NM_000298.6 (MANE Select); coding-DNA position 1482, T replaced by C.
Protein change: p.Ile494=; no amino-acid change (isoleucine 494 retained).
Molecular consequence: synonymous variant.
Genome position (GRCh38, 1-based): chr1:155,291,892, A>G on the plus strand (T>C on the coding strand, the complement: PKLR is on the minus strand). VCF-style: chr1-155291892-A-G. GRCh37 (hg19) VCF-style: chr1-155261683-A-G.
Other names: c.1389T>C, p.Ile463= (NM_181871.4).
Identifiers: ClinVar variation 3905835 (VCV003905835.10).
Genomic context (GRCh38, chr1:155,291,892, plus strand): 5'-GGGGAAGACTCCTCGGCATAAGTGGACCTGGCGGGCAGCCTGGGCAGAGCGGGTGACAGC[A>G]ATGACTGCTGCCCGAGGTCGGTACCGAGACAGAAGCTGGGCTGAGCTGGAGGAGGCAGAG-3'
Protein context (NP_000289.1, residues 484-504): LSRYRPRAAV[Ile494=]AVTRSAQAAR

ClinVar aggregate classification (germline): Likely benign (1 of 4 stars; one submission).

Submission:

CeGaT Center for Human Genetics Tuebingen
Classification: Likely benign. Last evaluated: 2025-05-01. Review status: criteria provided, single submitter. Criteria: CeGaT Center For Human Genetics Tuebingen Variant Classification Criteria Version 2. Collection method: clinical testing. Allele origin: germline. Affected: yes. Observed: 1 variant allele.
Comment: PKLR: PM2:Supporting, BP4, BP7